The following is an entry in ClinVar:

NM_213720.3(CHCHD10):c.394dup (p.Cys132fs)

Gene: CHCHD10 (coiled-coil-helix-coiled-coil-helix domain containing 10; minus strand). Cytogenetic location: 22q11.23.
Variant type: Duplication.
Coding change: c.394dup on transcript NM_213720.3 (MANE Select); coding-DNA position 394, one base duplicated (T; older notation c.394dupT).
Protein change: p.Cys132fs; shifts the reading frame from cysteine 132.
Molecular consequence: frameshift variant. On other transcripts: non-coding transcript variant (2).
Genome position (GRCh38, 1-based): chr22:23,766,143, A duplicated on the plus strand (T on the coding strand, the reverse complement: CHCHD10 is on the minus strand). VCF-style (leftmost placement, unchanged base first): chr22-23766142-C-CA. GRCh37 (hg19) VCF-style: chr22-24108329-C-CA.
Other names: c.415dup, p.Cys139fs (NM_001301339.2); short protein forms C132fs, C139fs.
Identifiers: ClinVar variation 2156986 (VCV002156986.4), dbSNP rs1397138322, ClinGen allele CA638950392.
Genomic context (GRCh38, chr22:23,766,142, plus strand): 5'-GTTGGCCTCTCCCCCTCCCCGCCTGAGTCGGGGTCCACTCACTCACCATGGTAGTACTTG[C>CA]ACTGCTTCAGGGCCTCGCTGAAGCCCTCACACAGGGACAGGTCACTCTGAGTGGTGGAAC-3'

ClinVar aggregate classification (germline): Uncertain significance (1 of 4 stars; one submission).

Conditions:
Lower motor neuron syndrome with late-adult onset (SMAJ). Also called: Spinal muscular atrophy, Jokela type; Late-Onset Spinal Motor Neuronopathy (SMAJ). Identifiers: Orphanet 276435, MedGen C3554398, MONDO:0014025, OMIM 615048.
Frontotemporal dementia and/or amyotrophic lateral sclerosis 2. Also called: FTDALS2. Identifiers: Orphanet 275872, MedGen C4014648, MONDO:0014395, OMIM 615911.
Autosomal dominant mitochondrial myopathy with exercise intolerance (IMMD). Also called: Myopathy, isolated mitochondrial, autosomal dominant. Identifiers: Orphanet 457050, MedGen C4015513, MONDO:0014532, OMIM 616209.

Allele frequency attached by ClinVar (database versions not stated): gnomAD exomes below 0.00001; gnomAD 0.00001.

Submission:

Labcorp Genetics (formerly Invitae), Labcorp
Classification: Uncertain significance for Lower motor neuron syndrome with late-adult onset; Frontotemporal dementia and/or amyotrophic lateral sclerosis 2; Autosomal dominant mitochondrial myopathy with exercise intolerance. Last evaluated: 2022-03-20. Review status: criteria provided, single submitter. Criteria: Invitae Variant Classification Sherloc (09022015). Collection method: clinical testing. Allele origin: germline.
Comment: This variant is present in population databases (no rsID available, gnomAD 0.007%). In summary, the available evidence is currently insufficient to determine the role of this variant in disease. Therefore, it has been classified as a Variant of Uncertain Significance. Experimental studies and prediction algorithms are not available or were not evaluated, and the functional significance of this variant is currently unknown. This variant has not been reported in the literature in individuals affected with CHCHD10-related conditions. This sequence change results in a frameshift in the CHCHD10 gene (p.Cys132Leufs*68). While this is not anticipated to result in nonsense mediated decay, it is expected to disrupt the last 11 amino acid(s) of the CHCHD10 protein and extend the protein by 56 additional amino acid residues.